The following is an entry in ClinVar:

ClinVar aggregate classification (germline): Uncertain significance (1 of 4 stars; one submission).

Submission:

Labcorp Genetics (formerly Invitae), Labcorp
Classification: Uncertain significance. Last evaluated: 2025-12-20. Review status: criteria provided, single submitter. Criteria: Invitae Variant Classification Sherloc (09022015). Collection method: clinical testing. Allele origin: germline.
Comment: This sequence change replaces lysine, which is basic and polar, with asparagine, which is neutral and polar, at codon 2389 of the EYS protein (p.Lys2389Asn). This variant is not present in population databases (gnomAD no frequency). This variant has not been reported in the literature in individuals affected with EYS-related conditions. Invitae Evidence Modeling of protein sequence and biophysical properties (such as structural, functional, and spatial information, amino acid conservation, physicochemical variation, residue mobility, and thermodynamic stability) has been performed for this missense variant. However, the output from this modeling did not meet the statistical confidence thresholds required to predict the impact of this variant on EYS protein function. In summary, the available evidence is currently insufficient to determine the role of this variant in disease. Therefore, it has been classified as a Variant of Uncertain Significance.

NM_001142800.2(EYS):c.7167A>C (p.Lys2389Asn)

Gene: EYS (EGF-like photoreceptor maintenance factor; minus strand). Cytogenetic location: 6q12.
Variant type: single nucleotide variant.
Coding change: c.7167A>C on transcript NM_001142800.2 (MANE Select); coding-DNA position 7167, A replaced by C.
Protein change: p.Lys2389Asn; replaces lysine 2389 with asparagine.
Molecular consequence: missense variant.
Genome position (GRCh38, 1-based): chr6:63,864,247, T>G on the plus strand (A>C on the coding strand, the complement: EYS is on the minus strand). VCF-style: chr6-63864247-T-G. GRCh37 (hg19) VCF-style: chr6-64574140-T-G.
Other names: c.7167A>C, p.Lys2389Asn (NM_001292009.2); short protein forms K2389N.
Identifiers: ClinVar variation 4706325 (VCV004706325.1).